The following is an entry in ClinVar:

NM_001347721.2(DYRK1A):c.925-19A>G

Gene: DYRK1A (dual specificity tyrosine phosphorylation regulated kinase 1A; plus strand). Cytogenetic location: 21q22.13.
Variant type: single nucleotide variant.
Coding change: c.925-19A>G on transcript NM_001347721.2 (MANE Select); 19 bases into the intron before coding-DNA position 925, A replaced by G.
Molecular consequence: intron variant.
Genome position (GRCh38, 1-based): chr21:37,492,998, A>G. VCF-style: chr21-37492998-A-G. GRCh37 (hg19) VCF-style: chr21-38865300-A-G.
Other names: c.952-19A>G (NM_001396.5, NM_101395.2, NM_130438.2); c.925-19A>G (NM_001347722.2, NM_130436.2); c.838-19A>G (NM_001347723.2).
Identifiers: ClinVar variation 385214 (VCV000385214.11), dbSNP rs78428152, ClinGen allele CA10023882.
Genomic context (GRCh38, chr21:37,492,998, plus strand): 5'-TATCAGATCAATGTTTTTAATCCAATGCTGACTGCAGTTTTAAGCAATTGAAGTAATACT[A>G]TTTTGAAATATATTTCAGATATACCAGTATATTCAGAGTCGCTTTTATCGGTCTCCAGAG-3'

ClinVar aggregate classification (germline): Benign/Likely benign. Review status: criteria provided, multiple submitters, no conflicts (2 of 4 stars). 4 submissions from 4 submitters: Benign (2); Likely benign (2). Last evaluated 2026-01-28.

Conditions:
DYRK1A-related intellectual disability syndrome (MRD7). Also called: Intellectual developmental disorder, autosomal dominant 7; DYRK1A Syndrome. Identifiers: Orphanet 464306, MedGen C5568143, MONDO:0013578, OMIM 614104.

Allele frequency attached by ClinVar (database versions not stated): gnomAD exomes 0.00021; ExAC 0.00026; 1000 Genomes Project 0.00100; 1000 Genomes Project 30x 0.00109; TOPMed 0.00114; gnomAD 0.00129 and 0.00136; ESP Exome Variant Server 0.00138.
gnomAD v4.1: 383 of 1,570,450 alleles (0.024%); highest among the groups gnomAD compares: African/African-American, 0.46%; no homozygotes.

Submissions (4):

Labcorp Genetics (formerly Invitae), Labcorp
Classification: Benign for DYRK1A-related intellectual disability syndrome. Last evaluated: 2026-01-28. Review status: criteria provided, single submitter. Criteria: Invitae Variant Classification Sherloc (09022015). Collection method: clinical testing. Allele origin: germline.

Blueprint Genetics
Classification: Likely benign. Last evaluated: 2024-09-23. Review status: criteria provided, single submitter. Criteria: ACMG Guidelines, 2015. Collection method: clinical testing. Allele origin: germline.

ARUP Laboratories, Molecular Genetics and Genomics, ARUP Laboratories
Classification: Benign for DYRK1A-related intellectual disability syndrome. Last evaluated: 2024-06-06. Review status: criteria provided, single submitter. Criteria: ARUP Molecular Germline Variant Investigation Process 2024. Collection method: clinical testing. Allele origin: germline.

GeneDx
Classification: Likely benign. Last evaluated: 2018-01-17. Review status: criteria provided, single submitter. Criteria: GeneDx Variant Classification (06012015). Collection method: clinical testing. Allele origin: germline. Affected: yes.
Comment: This variant is considered likely benign or benign based on one or more of the following criteria: it is a conservative change, it occurs at a poorly conserved position in the protein, it is predicted to be benign by multiple in silico algorithms, and/or has population frequency not consistent with disease.